The following is an entry in ClinVar:

NM_001458.5(FLNC):c.8098G>A (p.Glu2700Lys)

Genes: FLNC-AS1 (FLNC antisense RNA 1; minus strand), FLNC (filamin C; plus strand). Cytogenetic location: 7q32.1.
Variant type: single nucleotide variant.
Coding change: c.8098G>A on transcript NM_001458.5 (MANE Select); coding-DNA position 8098, G replaced by A.
Protein change: p.Glu2700Lys; replaces glutamic acid 2700 with lysine.
Molecular consequence: missense variant.
Genome position (GRCh38, 1-based): chr7:128,858,443, G>A. VCF-style: chr7-128858443-G-A. GRCh37 (hg19) VCF-style: chr7-128498497-G-A.
Other names: c.8098G>A (NM_001458.4); c.7999G>A, p.Glu2667Lys (NM_001127487.2); short protein forms E2700K, E2667K.
Identifiers: ClinVar variation 1348708 (VCV001348708.9), dbSNP rs2128940691, ClinGen allele CA369221754.
Genomic context (GRCh38, chr7:128,858,443, plus strand): 5'-GAGGAGGTGTACGTGAAGCACATGGGGAACCGGGTGTACAATGTCACCTACACTGTCAAG[G>A]AGAAAGGGGACTACATCCTCATTGTCAAGTGGGGTGACGAAAGTGTCCCTGGAAGCCCCT-3'
Protein context (NP_001449.3, residues 2690-2710): RVYNVTYTVK[Glu2700Lys]KGDYILIVKW

ClinVar aggregate classification (germline): Uncertain significance. Review status: criteria provided, multiple submitters, no conflicts (2 of 4 stars). 2 submissions from 2 submitters: Uncertain significance (2). Last evaluated 2024-02-05.

Conditions:
Cardiovascular phenotype. Identifiers: MedGen CN230736.
Myofibrillar myopathy 5. Also called: Filaminopathy (type); FILAMINOPATHY, AUTOSOMAL DOMINANT. Identifiers: Orphanet 171445, MedGen C1836050, MONDO:0012289, OMIM 609524.
Distal myopathy with posterior leg and anterior hand involvement. Also called: WILLIAMS DISTAL MYOPATHY. Identifiers: Orphanet 63273, MedGen C3279722, MONDO:0013550, OMIM 614065.
Hypertrophic cardiomyopathy 26. Also called: Cardiomyopathy, familial hypertrophic, 26. Identifiers: Orphanet 75249, MedGen C4310749, MONDO:0014883, OMIM 617047.

Submissions (2):

Ambry Genetics
Classification: Uncertain significance for Cardiovascular phenotype. Last evaluated: 2024-02-05. Review status: criteria provided, single submitter. Criteria: Ambry Variant Classification Scheme 2023. Collection method: clinical testing. Allele origin: germline.

Labcorp Genetics (formerly Invitae), Labcorp
Classification: Uncertain significance for Distal myopathy with posterior leg and anterior hand involvement; Myofibrillar myopathy 5; Hypertrophic cardiomyopathy 26. Last evaluated: 2022-09-01. Review status: criteria provided, single submitter. Criteria: Invitae Variant Classification Sherloc (09022015). Collection method: clinical testing. Allele origin: germline.
Comment: In summary, the available evidence is currently insufficient to determine the role of this variant in disease. Therefore, it has been classified as a Variant of Uncertain Significance. Algorithms developed to predict the effect of missense changes on protein structure and function are either unavailable or do not agree on the potential impact of this missense change (SIFT: "Deleterious"; PolyPhen-2: "Possibly Damaging"; Align-GVGD: "Class C0"). ClinVar contains an entry for this variant (Variation ID: 1348708). This variant has not been reported in the literature in individuals affected with FLNC-related conditions. This variant is not present in population databases (gnomAD no frequency). This sequence change replaces glutamic acid, which is acidic and polar, with lysine, which is basic and polar, at codon 2700 of the FLNC protein (p.Glu2700Lys).